The following is an entry in ClinVar:

ClinVar aggregate classification (germline): Uncertain significance (1 of 4 stars; one submission).

Conditions:
Inborn genetic diseases. Identifiers: MedGen C0950123, MeSH D030342.

Submission:

Ambry Genetics
Classification: Uncertain significance for Inborn genetic diseases. Last evaluated: 2024-05-04. Review status: criteria provided, single submitter. Criteria: Ambry Variant Classification Scheme 2023. Collection method: clinical testing. Allele origin: germline.
Comment: The p.A1975T variant (also known as c.5923G>A), located in coding exon 40 of the LRRK2 gene, results from a G to A substitution at nucleotide position 5923. The alanine at codon 1975 is replaced by threonine, an amino acid with similar properties. This amino acid position is conserved. In addition, the in silico prediction for this alteration is inconclusive. Based on the available evidence, the clinical significance of this variant remains unclear.

NM_198578.4(LRRK2):c.5923G>A (p.Ala1975Thr)

Gene: LRRK2 (leucine rich repeat kinase 2; plus strand). Cytogenetic location: 12q12.
Variant type: single nucleotide variant.
Coding change: c.5923G>A on transcript NM_198578.4 (MANE Select); coding-DNA position 5923, G replaced by A.
Protein change: p.Ala1975Thr; replaces alanine 1975 with threonine.
Molecular consequence: missense variant.
Genome position (GRCh38, 1-based): chr12:40,335,132, G>A. VCF-style: chr12-40335132-G-A. GRCh37 (hg19) VCF-style: chr12-40728934-G-A.
Other names: short protein forms A1975T.
Identifiers: ClinVar variation 3291991 (VCV003291991.1).